The following is an entry in ClinVar:

ClinVar aggregate classification (germline): Uncertain significance (3 of 4 stars; one submission).

Conditions:
Glanzmann thrombasthenia. Also called: PLATELET GLYCOPROTEIN IIb-IIIa DEFICIENCY; BLEEDING DISORDER, PLATELET-TYPE, 2; THROMBASTHENIA OF GLANZMANN AND NAEGELI; Thrombasthenia; Glanzmann's thrombasthenia. Identifiers: Orphanet 849, MedGen C0040015, MONDO:0100326.

Submission:

ClinGen Platelet Disorders Variant Curation Expert Panel, ClinGen
Classification: Uncertain significance for Glanzmann thrombasthenia. Last evaluated: 2025-05-01. Review status: reviewed by expert panel. Criteria: ClinGen Platelet ACMG Specifications v2-1. Collection method: curation. Allele origin: germline. Inheritance: Autosomal recessive inheritance.
Comment: The NM_000419.5(ITGA2B):c.483C>G (p.Cys161Trp) missense variant has been reported in at least one patient (DC in PMID: 11798398) with this variant displayed mucocutaneous bleeding and impaired aggregation with all agonists except ristocetin, which is highly specific for Glanzmann thrombasthenia (PP4_moderate). This variant is absent from gnomAD v4.1 (PM2_Supporting). In summary, this variant meets the criteria to be classified as uncertain significance for autosomal recessive Glanzmann Thrombasthenia based on the ACMG/AMP criteria applied, as specified by the ClinGen PD VCEP: PM2_supporting, PP4_moderate.

NM_000419.5(ITGA2B):c.483C>G (p.Cys161Trp)

Gene: ITGA2B (integrin subunit alpha 2b; minus strand). Cytogenetic location: 17q21.31.
Variant type: single nucleotide variant.
Coding change: c.483C>G on transcript NM_000419.5 (MANE Select); coding-DNA position 483, C replaced by G.
Protein change: p.Cys161Trp; replaces cysteine 161 with tryptophan.
Molecular consequence: missense variant.
Genome position (GRCh38, 1-based): chr17:44,385,642, G>C on the plus strand (C>G on the coding strand, the complement: ITGA2B is on the minus strand). VCF-style: chr17-44385642-G-C. GRCh37 (hg19) VCF-style: chr17-42463010-G-C.
Other names: NM_000419.5:c.483C>G; short protein forms C161W.
Identifiers: ClinVar variation 1879010 (VCV001879010.2), dbSNP rs1169075974, ClinGen allele CA399805884.